The following is an entry in ClinVar:

NM_004006.3(DMD):c.640G>A (p.Asp214Asn)

Gene: DMD (dystrophin; minus strand). Cytogenetic location: Xp21.1.
Variant type: single nucleotide variant.
Coding change: c.640G>A on transcript NM_004006.3 (MANE Select); coding-DNA position 640, G replaced by A.
Protein change: p.Asp214Asn; replaces aspartic acid 214 with asparagine.
Molecular consequence: missense variant.
Genome position (GRCh38, 1-based): chrX:32,809,502, C>T on the plus strand (G>A on the coding strand, the complement: DMD is on the minus strand). VCF-style: chrX-32809502-C-T. GRCh37 (hg19) VCF-style: chrX-32827619-C-T.
Other names: c.616G>A, p.Asp206Asn (NM_000109.4); c.628G>A, p.Asp210Asn (NM_004009.3); c.271G>A, p.Asp91Asn (NM_004010.3); short protein forms D214N, D91N, D210N, D206N.
Identifiers: ClinVar variation 228590 (VCV000228590.4), dbSNP rs876657781, ClinGen allele CA10577169.

ClinVar aggregate classification (germline): Uncertain significance (1 of 4 stars; one submission).

Allele frequency attached by ClinVar (database versions not stated): gnomAD exomes below 0.00001.
gnomAD v4.1: 1 of 1,207,816 alleles (0.000083%); highest among the groups gnomAD compares: South Asian, 0.0018%; no homozygotes.

Submission:

Laboratory for Molecular Medicine, Mass General Brigham Personalized Medicine
Classification: Uncertain significance. Last evaluated: 2016-01-26. Review status: criteria provided, single submitter. Criteria: LMM Criteria. Collection method: clinical testing. Allele origin: germline. Observed: 1 variant allele.
Comment: The p.Asp214Asn variant in DMD has not been previously reported in individuals w ith cardiomyopathy or in large population studies. Computational prediction tool s and conservation analysis suggest that the p.Asp214Asn variant may impact the protein, though this information is not predictive enough to determine pathogeni city. In summary, the clinical significance of the p.Asp214Asn variant is uncert ain.